The following is an entry in ClinVar:

NM_017780.4(CHD7):c.2071A>G (p.Lys691Glu)

Genes: CHD7 (chromodomain helicase DNA binding protein 7; plus strand), LOC126860403 (CDK7 strongly-dependent group 2 enhancer GRCh37_chr8:61693034-61694233; plus strand). Cytogenetic location: 8q12.2.
Variant type: single nucleotide variant.
Coding change: c.2071A>G on transcript NM_017780.4 (MANE Select); coding-DNA position 2071, A replaced by G.
Protein change: p.Lys691Glu; replaces lysine 691 with glutamic acid.
Molecular consequence: missense variant. On other transcripts: intron variant (1).
Genome position (GRCh38, 1-based): chr8:60,781,405, A>G. VCF-style: chr8-60781405-A-G. GRCh37 (hg19) VCF-style: chr8-61693964-A-G.
Other names: c.1716+355A>G (NM_001316690.1); short protein forms K691E.
Identifiers: ClinVar variation 1502248 (VCV001502248.17), dbSNP rs755898600, ClinGen allele CA4759602.

ClinVar aggregate classification (germline): Uncertain significance. Review status: criteria provided, multiple submitters, no conflicts (2 of 4 stars). 3 submissions from 3 submitters: Uncertain significance (3). Last evaluated 2026-01-06.

Conditions:
CHARGE syndrome (CHARGE). Also called: Coloboma, heart anomaly, choanal atresia, retardation, genital and ear anomalies; CHARGE association; Hall-Hittner syndrome; Hittner Hirsch Kreh syndrome; CHARGE ASSOCIATION--COLOBOMA, HEART ANOMALY, CHOANAL ATRESIA, RETARDATION, GENITAL AND EAR ANOMALIES. Identifiers: Orphanet 138, MedGen C0265354, MONDO:0008965.
Hypogonadotropic hypogonadism 5 with or without anosmia (KAL5). Also called: HYPOGONADOTROPIC HYPOGONADISM 5 WITH ANOSMIA; HYPOGONADOTROPHIC HYPOGONADISM 5 WITHOUT ANOSMIA; CHD7-Related GnRH Deficiency (Kallmann Syndrome 5). Identifiers: Orphanet 478, MedGen C3552553, MONDO:0012880, OMIM 612370. Disease mechanism: loss of function.

Allele frequency attached by ClinVar (database versions not stated): gnomAD exomes 0.00001; ExAC 0.00003.
gnomAD v4.1: 13 of 1,530,188 alleles (0.00085%); highest among the groups gnomAD compares: Non-Finnish European, 0.0011%; no homozygotes.

Submissions (3):

Labcorp Genetics (formerly Invitae), Labcorp
Classification: Uncertain significance for CHARGE syndrome. Last evaluated: 2026-01-06. Review status: criteria provided, single submitter. Criteria: Invitae Variant Classification Sherloc (09022015). Collection method: clinical testing. Allele origin: germline.
Comment: This sequence change replaces lysine, which is basic and polar, with glutamic acid, which is acidic and polar, at codon 691 of the CHD7 protein (p.Lys691Glu). The frequency data for this variant in the population databases is considered unreliable, as metrics indicate poor data quality at this position in the gnomAD database. This variant has not been reported in the literature in individuals affected with CHD7-related conditions. ClinVar contains an entry for this variant (Variation ID: 1502248). Invitae Evidence Modeling of protein sequence and biophysical properties (such as structural, functional, and spatial information, amino acid conservation, physicochemical variation, residue mobility, and thermodynamic stability) indicates that this missense variant is not expected to disrupt CHD7 protein function with a negative predictive value of 80%. In summary, the available evidence is currently insufficient to determine the role of this variant in disease. Therefore, it has been classified as a Variant of Uncertain Significance.

CeGaT Center for Human Genetics Tuebingen
Classification: Uncertain significance. Last evaluated: 2025-03-01. Review status: criteria provided, single submitter. Criteria: CeGaT Center For Human Genetics Tuebingen Variant Classification Criteria Version 2. Collection method: clinical testing. Allele origin: germline. Affected: yes. Observed: 1 variant allele.

Fulgent Genetics
Classification: Uncertain significance for CHD7-related CHARGE syndrome; Hypogonadotropic hypogonadism 5 with or without anosmia. Last evaluated: 2024-05-16. Review status: criteria provided, single submitter. Criteria: ACMG Guidelines, 2015. Collection method: clinical testing. Allele origin: germline.